The following is an entry in ClinVar:

ClinVar aggregate classification (germline): Conflicting classifications of pathogenicity. Review status: criteria provided, conflicting classifications (1 of 4 stars). 2 submissions from 2 submitters: Uncertain significance (1); Likely benign (1). Last evaluated 2024-05-24.

Conditions:
Spinocerebellar ataxia, autosomal recessive, with axonal neuropathy 2 (SCAN2). Also called: Ataxia with Oculomotor Apraxia; ATAXIA-OCULOMOTOR APRAXIA 2; Ataxia-ocular apraxia-2; Ataxia with Oculomotor Apraxia Type 2. Identifiers: Orphanet 64753, MedGen C1853761, MONDO:0018996, OMIM 606002.
Amyotrophic lateral sclerosis type 4 (ALS4). Also called: AMYOTROPHIC LATERAL SCLEROSIS 4, JUVENILE; NEURONOPATHY, DISTAL HEREDITARY MOTOR, WITH PYRAMIDAL FEATURES. Identifiers: Orphanet 357043, MedGen C1865409, MONDO:0011223, OMIM 602433.
Inborn genetic diseases. Identifiers: MedGen C0950123, MeSH D030342.

Allele frequency attached by ClinVar (database versions not stated): ExAC 0.00001; gnomAD 0.00001; gnomAD exomes 0.00001.

Submissions (2):

Labcorp Genetics (formerly Invitae), Labcorp
Classification: Likely benign for Amyotrophic lateral sclerosis type 4; Spinocerebellar ataxia, autosomal recessive, with axonal neuropathy 2. Last evaluated: 2024-05-24. Review status: criteria provided, single submitter. Criteria: Invitae Variant Classification Sherloc (09022015). Collection method: clinical testing. Allele origin: germline.

Ambry Genetics
Classification: Uncertain significance for Inborn genetic diseases. Last evaluated: 2021-12-16. Review status: criteria provided, single submitter. Criteria: Ambry Variant Classification Scheme 2023. Collection method: clinical testing. Allele origin: germline.
Comment: The p.L1405F variant (also known as c.4213C>T), located in coding exon 8 of the SETX gene, results from a C to T substitution at nucleotide position 4213. The leucine at codon 1405 is replaced by phenylalanine, an amino acid with highly similar properties. This amino acid position is conserved. In addition, this alteration is predicted to be tolerated by in silico analysis. Since supporting evidence is limited at this time, the clinical significance of this alteration remains unclear.

NM_015046.7(SETX):c.4213C>T (p.Leu1405Phe)

Gene: SETX (senataxin; minus strand). Cytogenetic location: 9q34.13.
Variant type: single nucleotide variant.
Coding change: c.4213C>T on transcript NM_015046.7 (MANE Select); coding-DNA position 4213, C replaced by T.
Protein change: p.Leu1405Phe; replaces leucine 1405 with phenylalanine.
Molecular consequence: missense variant.
Genome position (GRCh38, 1-based): chr9:132,327,385, G>A on the plus strand (C>T on the coding strand, the complement: SETX is on the minus strand). VCF-style: chr9-132327385-G-A. GRCh37 (hg19) VCF-style: chr9-135202772-G-A.
Other names: c.4213C>T, p.Leu1405Phe (NM_001351527.2, NM_001351528.2); short protein forms L1405F.
Identifiers: ClinVar variation 1738767 (VCV001738767.4), dbSNP rs752141197, ClinGen allele CA5297246.